The following is an entry in ClinVar:

ClinVar aggregate classification (germline): Uncertain significance (1 of 4 stars; one submission).

Conditions:
Coffin-Siris syndrome 8. Identifiers: MedGen C5193054, MONDO:0032702, OMIM 618362.

Submission:

Neuberg Centre For Genomic Medicine, NCGM
Classification: Uncertain significance for Coffin-Siris syndrome 8. Last evaluated: 2023-06-22. Review status: criteria provided, single submitter. Criteria: ACMG Guidelines, 2015. Collection method: clinical testing. Allele origin: germline. Inheritance: Autosomal dominant inheritance. Affected: yes.
Comment: The observed missense c.2953A>G(p.Met985Val) variant in SMARCC2 gene has not been reported previously as a pathogenic variant nor a benign variant, to our knowledge. The p.Met985Val variant is absent in gnomAD Exomes. This variant has not been submitted to the ClinVar database. Multiple lines of computational evidences (Polyphen - Benign, SIFT - Tolerated and MutationTaster - Disease causing) predict conflicting evidence on protein structure and function for this variant. The reference amino acid change at this position on SMARCC2 gene is predicted as conserved by GERP++ and PhyloP across 100 vertebrates. The amino acid Met at position 985 is changed to a Val changing protein sequence and it might alter its composition and physico-chemical properties. For these reasons, this variant has been classified as a Variant of Uncertain Significance (VUS).

NM_001330288.2(SMARCC2):c.2953A>G (p.Met985Val)

Gene: SMARCC2 (SWI/SNF related BAF chromatin remodeling complex subunit C2; minus strand). Cytogenetic location: 12q13.2.
Variant type: single nucleotide variant.
Coding change: c.2953A>G on transcript NM_001330288.2 (MANE Select); coding-DNA position 2953, A replaced by G.
Protein change: p.Met985Val; replaces methionine 985 with valine.
Molecular consequence: missense variant.
Genome position (GRCh38, 1-based): chr12:56,165,597, T>C on the plus strand (A>G on the coding strand, the complement: SMARCC2 is on the minus strand). VCF-style: chr12-56165597-T-C. GRCh37 (hg19) VCF-style: chr12-56559381-T-C.
Other names: c.2953A>G, p.Met985Val (NM_001130420.3, NM_139067.4); c.2860A>G, p.Met954Val (NM_003075.5); short protein forms M954V, M985V.
Identifiers: ClinVar variation 3377636 (VCV003377636.1).